The following is an entry in ClinVar:

NM_001039591.3(USP9X):c.4399A>G (p.Ile1467Val)

Gene: USP9X (ubiquitin specific peptidase 9 X-linked; plus strand). Cytogenetic location: Xp11.4.
Variant type: single nucleotide variant.
Coding change: c.4399A>G on transcript NM_001039591.3 (MANE Select); coding-DNA position 4399, A replaced by G.
Protein change: p.Ile1467Val; replaces isoleucine 1467 with valine.
Molecular consequence: missense variant.
Genome position (GRCh38, 1-based): chrX:41,198,546, A>G. VCF-style: chrX-41198546-A-G. GRCh37 (hg19) VCF-style: chrX-41057799-A-G.
Other names: c.4399A>G, p.Ile1467Val (NM_001039590.3); c.4414A>G, p.Ile1472Val (NM_001410748.1, NM_001410749.1); short protein forms I1467V, I1472V.
Identifiers: ClinVar variation 3035303 (VCV003035303.2), dbSNP rs1468267515, ClinGen allele CA412774724.

ClinVar aggregate classification (germline): Uncertain significance (0 of 4 stars; one submission).

Conditions:
USP9X-related disorder. Also called: USP9X-related condition.

Allele frequency attached by ClinVar (database versions not stated): gnomAD exomes below 0.00001; gnomAD 0.00001; TOPMed 0.00001.
gnomAD v4.1: 2 of 1,203,762 alleles (0.00017%); highest among the groups gnomAD compares: Non-Finnish European, 0.00022%; no homozygotes.

Submission:

PreventionGenetics, part of Exact Sciences
Classification: Uncertain significance for USP9X-related condition. Last evaluated: 2023-10-26. Review status: no assertion criteria provided. Collection method: clinical testing. Allele origin: germline.
Comment: The USP9X c.4399A>G variant is predicted to result in the amino acid substitution p.Ile1467Val. To our knowledge, this variant has not been reported in the literature or in a large population database, indicating this variant is rare. At this time, the clinical significance of this variant is uncertain due to the absence of conclusive functional and genetic evidence.